The following is an entry in ClinVar:

NM_000143.4(FH):c.120C>G (p.Asn40Lys)

Gene: FH (fumarate hydratase; minus strand). Cytogenetic location: 1q43.
Variant type: single nucleotide variant.
Coding change: c.120C>G on transcript NM_000143.4 (MANE Select); coding-DNA position 120, C replaced by G.
Protein change: p.Asn40Lys; replaces asparagine 40 with lysine.
Molecular consequence: missense variant.
Genome position (GRCh38, 1-based): chr1:241,519,603, G>C on the plus strand (C>G on the coding strand, the complement: FH is on the minus strand). VCF-style: chr1-241519603-G-C. GRCh37 (hg19) VCF-style: chr1-241682903-G-C.
Other names: short protein forms N40K.
Identifiers: ClinVar variation 818580 (VCV000818580.15), dbSNP rs876658186, ClinGen allele CA40337913.

ClinVar aggregate classification (germline): Conflicting classifications of pathogenicity. Review status: criteria provided, conflicting classifications (1 of 4 stars). 3 submissions from 3 submitters: Uncertain significance (1); Likely benign (1). 1 of the submissions does not count toward it. Last evaluated 2024-12-15.

Conditions:
Hereditary cancer-predisposing syndrome. Also called: Hereditary Cancer Syndrome; Neoplastic Syndromes, Hereditary; Hereditary neoplastic syndrome; Tumor predisposition. Identifiers: Orphanet 140162, MedGen C0027672, MeSH D009386, MONDO:0015356.
Fumarase deficiency (FMRD). Also called: Fumarate Hydratase Deficiency; Fumaric aciduria. Identifiers: Orphanet 24, MedGen C0342770, MONDO:0011730, OMIM 606812.

Allele frequency attached by ClinVar (database versions not stated): TOPMed 0.00001; gnomAD 0.00006.
gnomAD v4.1: 3 of 1,547,552 alleles (0.00019%); highest among the groups gnomAD compares: African/African-American, 0.0041%; no homozygotes.

Submissions (3):

Labcorp Genetics (formerly Invitae), Labcorp
Classification: Likely benign. Last evaluated: 2024-12-15. Review status: criteria provided, single submitter. Criteria: Invitae Variant Classification Sherloc (09022015). Collection method: clinical testing. Allele origin: germline.

Ambry Genetics
Classification: Uncertain significance for Hereditary cancer-predisposing syndrome. Last evaluated: 2024-01-19. Review status: criteria provided, single submitter. Criteria: Ambry Variant Classification Scheme 2023. Collection method: clinical testing. Allele origin: germline.
Comment: The p.N40K variant (also known as c.120C>G), located in coding exon 1 of the FH gene, results from a C to G substitution at nucleotide position 120. The asparagine at codon 40 is replaced by lysine, an amino acid with similar properties. This amino acid position is not well conserved in available vertebrate species. In addition, this alteration is predicted to be tolerated by in silico analysis. Based on the available evidence, the clinical significance of this alteration remains unclear.

Natera, Inc.
Classification: Uncertain significance for Fumarase deficiency. Last evaluated: 2020-09-16. Review status: no assertion criteria provided. Collection method: clinical testing. Allele origin: germline. Not counted in ClinVar's aggregate classification.